The following is an entry in ClinVar:

NM_013275.6(ANKRD11):c.4630G>A (p.Asp1544Asn)

Gene: ANKRD11 (ankyrin repeat domain 11; minus strand). Cytogenetic location: 16q24.3.
Variant type: single nucleotide variant.
Coding change: c.4630G>A on transcript NM_013275.6 (MANE Select); coding-DNA position 4630, G replaced by A.
Protein change: p.Asp1544Asn; replaces aspartic acid 1544 with asparagine.
Molecular consequence: missense variant.
Genome position (GRCh38, 1-based): chr16:89,281,912, C>T on the plus strand (G>A on the coding strand, the complement: ANKRD11 is on the minus strand). VCF-style: chr16-89281912-C-T. GRCh37 (hg19) VCF-style: chr16-89348320-C-T.
Other names: c.4630G>A, p.Asp1544Asn (NM_001256182.2, NM_001256183.2); short protein forms D1544N.
Identifiers: ClinVar variation 836492 (VCV000836492.1), dbSNP rs761378635, ClinGen allele CA8242067.

ClinVar aggregate classification (germline): Uncertain significance (1 of 4 stars; one submission).

Conditions:
KBG syndrome (KBGS). Also called: ANKRD11-Related KBG Syndrome. Identifiers: Orphanet 2332, MedGen C0220687, MONDO:0007846, OMIM 148050.

Allele frequency attached by ClinVar (database versions not stated): TOPMed below 0.00001; ExAC 0.00001; gnomAD exomes 0.00001.
gnomAD v4.1: 13 of 1,613,394 alleles (0.00081%); highest among the groups gnomAD compares: South Asian, 0.0022%; no homozygotes.

Submission:

Labcorp Genetics (formerly Invitae), Labcorp
Classification: Uncertain significance for KBG syndrome. Last evaluated: 2019-07-23. Review status: criteria provided, single submitter. Criteria: Invitae Variant Classification Sherloc (09022015). Collection method: clinical testing. Allele origin: germline.
Comment: This sequence change replaces aspartic acid with asparagine at codon 1544 of the ANKRD11 protein (p.Asp1544Asn). The aspartic acid residue is moderately conserved and there is a small physicochemical difference between aspartic acid and asparagine. This variant is present in population databases (rs761378635, ExAC 0.001%). This variant has not been reported in the literature in individuals with ANKRD11-related conditions. Algorithms developed to predict the effect of missense changes on protein structure and function are either unavailable or do not agree on the potential impact of this missense change (SIFT: "Deleterious"; PolyPhen-2: "Probably Damaging"; Align-GVGD: "Class C0"). In summary, the available evidence is currently insufficient to determine the role of this variant in disease. Therefore, it has been classified as a Variant of Uncertain Significance.